The following is an entry in ClinVar:

NM_001378328.1(CELSR1):c.529G>A (p.Gly177Ser)

Gene: CELSR1 (cadherin EGF LAG seven-pass G-type receptor 1; minus strand). Cytogenetic location: 22q13.31.
Variant type: single nucleotide variant.
Coding change: c.529G>A on transcript NM_001378328.1 (MANE Select); coding-DNA position 529, G replaced by A.
Protein change: p.Gly177Ser; replaces glycine 177 with serine.
Molecular consequence: missense variant.
Genome position (GRCh38, 1-based): chr22:46,536,642, C>T on the plus strand (G>A on the coding strand, the complement: CELSR1 is on the minus strand). VCF-style: chr22-46536642-C-T. GRCh37 (hg19) VCF-style: chr22-46932539-C-T.
Other names: c.529G>A, p.Gly177Ser (NM_014246.4); short protein forms G177S.
Identifiers: ClinVar variation 3141988 (VCV003141988.8), dbSNP rs1047891802, ClinGen allele CA325177812.
Genomic context (GRCh38, chr22:46,536,642, plus strand): 5'-CCACCCGGACGGCGCCAGCCGCGCGCCGCAGGGCGCACAGCAGACGCAGGCGGACCGAGC[C>T]GCCCGGCGGCAGGCAGATGGGACGGCCGGGACAGCGGGGCCTGGGGCGCGGCGGGCAGCG-3'
Protein context (NP_001365257.1, residues 167-187): PGRPICLPPG[Gly177Ser]SVRLRLLCAL

ClinVar aggregate classification (germline): Likely benign. Review status: criteria provided, multiple submitters, no conflicts (2 of 4 stars). 2 submissions from 2 submitters: Likely benign (2). Last evaluated 2025-09-01.

Allele frequency attached by ClinVar (database versions not stated): TOPMed 0.00050; gnomAD 0.00052.

Submissions (2):

CeGaT Center for Human Genetics Tuebingen
Classification: Likely benign. Last evaluated: 2025-09-01. Review status: criteria provided, single submitter. Criteria: CeGaT Center For Human Genetics Tuebingen Variant Classification Criteria Version 2. Collection method: clinical testing. Allele origin: germline. Affected: yes. Observed: 1 variant allele.
Comment: CELSR1: BS2

Ambry Genetics
Classification: Likely benign. Last evaluated: 2022-11-18. Review status: criteria provided, single submitter. Criteria: Ambry Variant Classification Scheme 2023. Collection method: clinical testing. Allele origin: germline.